The following is an entry in ClinVar:

ClinVar aggregate classification (germline): Uncertain significance (1 of 4 stars; one submission).

Conditions:
Pyruvate dehydrogenase E3 deficiency (DLDD). Also called: DLD DEFICIENCY; E3 DEFICIENCY; MAPLE SYRUP URINE DISEASE, TYPE III; Dihydrolipoamide Dehydrogenase Deficiency; Lipoamide dehydrogenase deficiency, lactic acidosis due to; Lipoamide dehydrogenase deficiency. Identifiers: Orphanet 2394, Orphanet 765, MedGen C5574660, MONDO:0009529, OMIM 246900.

Allele frequency attached by ClinVar (database versions not stated): TOPMed below 0.00001.
gnomAD v4.1: 1 of 1,553,776 alleles (0.000064%); highest among the groups gnomAD compares: Non-Finnish European, 0.000089%; no homozygotes.

Submission:

Labcorp Genetics (formerly Invitae), Labcorp
Classification: Uncertain significance for Pyruvate dehydrogenase E3 deficiency. Last evaluated: 2021-10-14. Review status: criteria provided, single submitter. Criteria: Invitae Variant Classification Sherloc (09022015). Collection method: clinical testing. Allele origin: germline.
Comment: This sequence change falls in intron 4 of the DLD gene. It does not directly change the encoded amino acid sequence of the DLD protein. It affects a nucleotide within the consensus splice site. This variant is not present in population databases (ExAC no frequency). This variant has not been reported in the literature in individuals affected with DLD-related conditions. Variants that disrupt the consensus splice site are a relatively common cause of aberrant splicing (PMID: 17576681, 9536098). Algorithms developed to predict the effect of sequence changes on RNA splicing suggest that this variant may disrupt the consensus splice site. In summary, the available evidence is currently insufficient to determine the role of this variant in disease. Therefore, it has been classified as a Variant of Uncertain Significance.

Literature cited by the submitters: PubMed 17576681; PubMed 9536098.

NM_000108.5(DLD):c.268-3T>A

Gene: DLD (dihydrolipoamide dehydrogenase; plus strand). Cytogenetic location: 7q31.1.
Variant type: single nucleotide variant.
Coding change: c.268-3T>A on transcript NM_000108.5 (MANE Select); 3 bases into the intron before coding-DNA position 268, T replaced by A.
Molecular consequence: intron variant.
Genome position (GRCh38, 1-based): chr7:107,903,475, T>A. VCF-style: chr7-107903475-T-A. GRCh37 (hg19) VCF-style: chr7-107543920-T-A.
Other names: c.268-3T>A (NM_001289752.1); c.199-3T>A (NM_001289751.1); c.-30-3T>A (NM_001289750.1).
Identifiers: ClinVar variation 1413171 (VCV001413171.5), dbSNP rs2031928500, ClinGen allele CA1732850630.
Genomic context (GRCh38, chr7:107,903,475, plus strand): 5'-TTTTTGATTATTTGAAGTCTGTTTATGAATATTTGATAATTTGATCTTTTTAATTTCCTT[T>A]AGGCTTTATTGAACAACTCTCATTATTACCATATGGCCCATGGAAAAGATTTTGCATCTA-3'